The following is an entry in ClinVar:

NM_014363.6(SACS):c.11326A>G (p.Ile3776Val)

Gene: SACS (sacsin molecular chaperone; minus strand). Cytogenetic location: 13q12.12.
Variant type: single nucleotide variant.
Coding change: c.11326A>G on transcript NM_014363.6 (MANE Select); coding-DNA position 11326, A replaced by G.
Protein change: p.Ile3776Val; replaces isoleucine 3776 with valine.
Molecular consequence: missense variant.
Genome position (GRCh38, 1-based): chr13:23,332,550, T>C on the plus strand (A>G on the coding strand, the complement: SACS is on the minus strand). VCF-style: chr13-23332550-T-C. GRCh37 (hg19) VCF-style: chr13-23906689-T-C.
Other names: c.10885A>G, p.Ile3629Val (NM_001278055.2); short protein forms I3629V, I3776V.
Identifiers: ClinVar variation 1343970 (VCV001343970.6), dbSNP rs770269690, ClinGen allele CA6910298.
Genomic context (GRCh38, chr13:23,332,550, plus strand): 5'-AAGCAACCCCTCGCAACTGAAAACGAAATTCCCTTTTTTCTGCACTGAGGAATTCATATA[T>C]GCTCCTTAAGACTTTTGCTCTAGTTTTTACCATTTCTTCATCCAACGTCGTTATGTTGCA-3'
Protein context (NP_055178.3, residues 3766-3786): VKTRAKVLRS[Ile3776Val]YEFLSAEKRE

ClinVar aggregate classification (germline): Uncertain significance. Review status: criteria provided, multiple submitters, no conflicts (2 of 4 stars). 2 submissions from 2 submitters: Uncertain significance (2). Last evaluated 2023-08-17.

Conditions:
Spastic paraplegia. Identifiers: MedGen C0037772, HP:0001258.
Hereditary spastic paraplegia. Also called: Familial spastic paraparesis. Identifiers: Orphanet 685, MedGen C0037773, MONDO:0019064. Disease mechanism: loss of function.

Allele frequency attached by ClinVar (database versions not stated): gnomAD exomes 0.00003.

Submissions (2):

Labcorp Genetics (formerly Invitae), Labcorp
Classification: Uncertain significance for Spastic paraplegia. Last evaluated: 2023-08-17. Review status: criteria provided, single submitter. Criteria: Invitae Variant Classification Sherloc (09022015). Collection method: clinical testing. Allele origin: germline.
Comment: In summary, the available evidence is currently insufficient to determine the role of this variant in disease. Therefore, it has been classified as a Variant of Uncertain Significance. Advanced modeling of protein sequence and biophysical properties (such as structural, functional, and spatial information, amino acid conservation, physicochemical variation, residue mobility, and thermodynamic stability) performed at Invitae indicates that this missense variant is not expected to disrupt SACS protein function. ClinVar contains an entry for this variant (Variation ID: 1343970). This variant has not been reported in the literature in individuals affected with SACS-related conditions. This variant is present in population databases (rs770269690, gnomAD 0.0009%). This sequence change replaces isoleucine, which is neutral and non-polar, with valine, which is neutral and non-polar, at codon 3776 of the SACS protein (p.Ile3776Val).

Genome Diagnostics Laboratory, The Hospital for Sick Children
Classification: Uncertain significance for Hereditary spastic paraplegia. Last evaluated: 2021-11-29. Review status: criteria provided, single submitter. Criteria: ACMG Guidelines, 2015. Collection method: clinical testing. Allele origin: germline. Affected: yes.